The following is an entry in ClinVar:

ClinVar aggregate classification (germline): Pathogenic (1 of 4 stars; one submission).

Conditions:
Neurofibromatosis, type 1 (NF1). Also called: NEUROFIBROMATOSIS, TYPE I, SOMATIC; VON RECKLINGHAUSEN DISEASE; Peripheral type neurofibromatosis; Neurofibromatosis, type I. Identifiers: Orphanet 636, MedGen C0027831, MONDO:0018975, OMIM 162200. Disease mechanism: loss of function.

Submission:

Labcorp Genetics (formerly Invitae), Labcorp
Classification: Pathogenic for Neurofibromatosis, type 1. Last evaluated: 2025-07-14. Review status: criteria provided, single submitter. Criteria: Invitae Variant Classification Sherloc (09022015). Collection method: clinical testing. Allele origin: germline.
Comment: This sequence change creates a premature translational stop signal (p.Arg461Leufs*20) in the NF1 gene. It is expected to result in an absent or disrupted protein product. Loss-of-function variants in NF1 are known to be pathogenic (PMID: 10712197, 23913538). This variant is not present in population databases (gnomAD no frequency). This variant has not been reported in the literature in individuals affected with NF1-related conditions. For these reasons, this variant has been classified as Pathogenic.

Literature cited by the submitters: PubMed 10712197; PubMed 23913538.

NM_001042492.3(NF1):c.1359_1381dup (p.Arg461fs)

Gene: NF1 (neurofibromin 1; plus strand). Cytogenetic location: 17q11.2.
Variant type: Duplication.
Coding change: c.1359_1381dup on transcript NM_001042492.3 (MANE Select); coding-DNA positions 1359 to 1381, 23 bases duplicated (TTGTGGAGCACACCCAGCAATAC).
Protein change: p.Arg461fs; shifts the reading frame from arginine 461.
Molecular consequence: frameshift variant.
Genome position (GRCh38, 1-based): chr17:31,206,338-31,206,360, TTGTGGAGCACACCCAGCAATAC duplicated. VCF-style (leftmost placement, unchanged base first): chr17-31206337-G-GTTGTGGAGCACACCCAGCAATAC. GRCh37 (hg19) VCF-style: chr17-29533355-G-GTTGTGGAGCACACCCAGCAATAC.
Other names: c.1359_1381dup, p.Arg461fs (NM_000267.4, NM_001128147.3); short protein forms R461fs.
Identifiers: ClinVar variation 4723182 (VCV004723182.1).